The following is an entry in ClinVar:

GRCh38/hg38 16p13.11-12.3(chr16:15399189-18595075)x3

Genes: ABCC1 (ATP binding cassette subfamily C member 1 (ABCC1 blood group); plus strand), ABCC6 (ATP binding cassette subfamily C member 6; minus strand), BMERB1 (bMERB domain containing 1; plus strand), CEP20 (centrosomal protein 20; minus strand), MARF1 (meiosis regulator and mRNA stability factor 1; minus strand) and 73 more. Cytogenetic location: 16p13.11-12.3.
Variant type: copy number gain.
Change: copy number 3 (three copies instead of two) of chr16:15,399,189-18,595,075 (3.20 Mb, GRCh38 coordinates, 1-based), cytogenetic band 16p13.11-12.3.
Identifiers: ClinVar variation 4890971 (VCV004890971.1).

ClinVar aggregate classification (germline): Likely pathogenic (1 of 4 stars; one submission).

Submission:

Clinical Genomics Laboratory, Laboratory for Precision Diagnostics, University of Washington
Classification: Likely pathogenic. Last evaluated: 2023-12-20. Review status: criteria provided, single submitter. Criteria: ACMG/ClinGen CNV Guidelines, 2019. Collection method: clinical testing. Allele origin: unknown. Affected: yes. Observed: 1 variant allele.
Comment: This interstitial duplication is approximately 3.17 Mb in size and contains 13 protein-coding genes including MYH11. This duplication contains the entirety of the recurrent 16p13.11 duplication. The recurrent 16p13.11 microduplication has been associated with variety of features. The most frequent include speech and language delay, learning difficulties or intellectual disability, autism spectrum disorders, and congenital heart defects (see PMID:30287593 for a recent review). Upwards of 90% of people with the 16p13.11 microduplication have inherited it from a parent who has milder or even no manifestations. This, along with the presence of this larger 3.17 Mb duplication in a database of copy number variants found in healthy control groups (nsv457428, dgv4924n54, nssv3557968), is evidence of incomplete penetrance. Penetrance has been estimated at 7-8% (PMID:30287593, PMID: 30767844, PMID:23992924). Some authors have suggested that this duplication may be a risk factor for neurodevelopmental disorders that requires additional genetic or environmental factors to be expressed.

Literature cited by the submitters: PubMed 30287593; PubMed 30767844; PubMed 23992924.